The following is an entry in ClinVar:

NM_001267550.2(TTN):c.23302G>A (p.Asp7768Asn)

Gene: TTN (titin; minus strand). Cytogenetic location: 2q31.2.
Variant type: single nucleotide variant.
Coding change: c.23302G>A on transcript NM_001267550.2 (MANE Select); coding-DNA position 23302, G replaced by A.
Protein change: p.Asp7768Asn; replaces aspartic acid 7768 with asparagine.
Molecular consequence: missense variant. On other transcripts: intron variant (3).
Genome position (GRCh38, 1-based): chr2:178,720,460, C>T on the plus strand (G>A on the coding strand, the complement: TTN is on the minus strand). VCF-style: chr2-178720460-C-T. GRCh37 (hg19) VCF-style: chr2-179585187-C-T.
Other names: p.D7451N:GAT>AAT; p.Asp7451Asn; c.22351G>A, p.Asp7451Asn (NM_001256850.1); c.19570G>A, p.Asp6524Asn (NM_133378.4); c.13282+17622G>A (NM_003319.4); c.13858+17622G>A (NM_133437.4); c.13657+17622G>A (NM_133432.3); short protein forms D7768N, D6524N, D7451N.
Identifiers: ClinVar variation 46717 (VCV000046717.67), dbSNP rs72648973, ClinGen allele CA139029.

ClinVar aggregate classification (germline): Conflicting classifications of pathogenicity. Review status: criteria provided, conflicting classifications (1 of 4 stars). 26 submissions from 22 submitters: Uncertain significance (9); Benign (3); Likely benign (8). 6 of the submissions do not count toward it. Last evaluated 2026-09-01.

Conditions:
Dilated cardiomyopathy 1G (CMD1G). Identifiers: Orphanet 154, MedGen C1858763, MONDO:0011400, OMIM 604145.
Autosomal recessive limb-girdle muscular dystrophy type 2J (LGMDR10). Also called: MUSCULAR DYSTROPHY, LIMB-GIRDLE, AUTOSOMAL RECESSIVE 10; Limb-girdle muscular dystrophy, type 2J. Identifiers: Orphanet 140922, MedGen C1837342, MONDO:0012127, OMIM 608807.
TTN-related disorder. Also called: TTN-related disorders; TTN-related condition; TTN-related disease.
Cardiovascular phenotype. Identifiers: MedGen CN230736.
Cardiomyopathy (CMYO). Also called: Cardiomyopathies. Identifiers: Orphanet 167848, MedGen C0878544, MONDO:0004994, HP:0001638. Inheritance: Various modes of inheritance.
Early-onset myopathy with fatal cardiomyopathy (CMYO5). Also called: CONGENITAL MYOPATHY 5 WITH CARDIOMYOPATHY; Salih Myopathy. Identifiers: Orphanet 289377, MedGen C2673677, MONDO:0012714, OMIM 611705. Disease mechanism: loss of function.
Tibial muscular dystrophy (TMD). Also called: Udd Distal Myopathy – Tibial Muscular Dystrophy; Tibial muscular dystrophy, tardive; UDD MYOPATHY. Identifiers: Orphanet 609, MedGen C1838244, MONDO:0010870, OMIM 600334.
Myopathy, myofibrillar, 9, with early respiratory failure (MFM9). Also called: Myopathy, distal, with early respiratory failure, autosomal dominant; Hereditary myopathy with early respiratory failure; MYOPATHY, PROXIMAL, WITH EARLY RESPIRATORY MUSCLE INVOLVEMENT; EDSTROM MYOPATHY. Identifiers: Orphanet 178464, Orphanet 34521, MedGen C1863599, MONDO:0011362, OMIM 603689.
Tip-toe gait. Also called: Toe walking. Identifiers: MedGen C0427144, HP:0030051.

Allele frequency attached by ClinVar (database versions not stated): TOPMed 0.00073; ExAC 0.00075; gnomAD 0.00082; 1000 Genomes Project 30x 0.00016; gnomAD exomes 0.00076; ESP Exome Variant Server 0.00118.
gnomAD v4.1: 2,057 of 1,613,640 alleles (0.13%); highest among the groups gnomAD compares: Non-Finnish European, 0.16%; 3 homozygotes.

Submissions 1 to 12 of 26:

CeGaT Center for Human Genetics Tuebingen
Classification: Likely benign. Last evaluated: 2026-09-01. Review status: criteria provided, single submitter. Criteria: CeGaT Center For Human Genetics Tuebingen Variant Classification Criteria Version 2. Collection method: clinical testing. Allele origin: germline. Affected: yes. Observed: 6 variant alleles.
Comment: TTN: BS2

Labcorp Genetics (formerly Invitae), Labcorp
Classification: Likely benign for Dilated cardiomyopathy 1G; Autosomal recessive limb-girdle muscular dystrophy type 2J. Last evaluated: 2026-02-02. Review status: criteria provided, single submitter. Criteria: Invitae Variant Classification Sherloc (09022015). Collection method: clinical testing. Allele origin: germline.

Mayo Clinic Laboratories, Mayo Clinic
Classification: Likely benign. Last evaluated: 2025-12-05. Review status: criteria provided, single submitter. Criteria: ACMG Guidelines, 2015. Collection method: clinical testing. Allele origin: germline. Observed: 5 variant alleles.
Comment: BS1

ARUP Laboratories, Molecular Genetics and Genomics, ARUP Laboratories
Classification: Uncertain significance. Last evaluated: 2025-04-09. Review status: criteria provided, single submitter. Criteria: ARUP Molecular Germline Variant Investigation Process 2024. Collection method: clinical testing. Allele origin: germline.
Comment: The TTN c.23302G>A; p.Asp7768Asn variant (rs72648973; ClinVar Variation ID: 46717) is rare in the general population (<0.2% allele frequency in the Genome Aggregation Database) and has been reported in the literature in DCM cohorts and a case of sudden death of the young (Burstein 2021, Haas 2015, Salfati 2019). The clinical relevance of rare missense variants in this gene, which are identified on average once per individual sequenced in affected populations (Herman 2012), is not well understood. Yet, evidence suggests that the vast majority of such missense variants do not contribute to the clinical outcome of DCM (Begay 2015). Thus, the clinical significance of the p.Asp7768Asn variant cannot be determined with certainty. References: Begay RL et al. Role of Titin Missense Variants in Dilated Cardiomyopathy. J Am Heart Assoc. 2015 Nov 13;4(11). PMID: 26567375. Burstein DS et al. Genetic variant burden and adverse outcomes in pediatric cardiomyopathy. Pediatr Res. 2021 May;89(6):1470-1476. PMID: 32746448. Haas J et al. Atlas of the clinical genetics of human dilated cardiomyopathy. Eur Heart J. 2015 May 7;36(18):1123-35a. PMID: 25163546. Herman DS et al. Truncations of titin causing dilated cardiomyopathy. N Engl J Med. 2012 Feb 16;366(7):619-28. PMID: 22335739. Linke WA and Hamdani N. Gigantic business: titin properties and function through thick and thin. Circ Res 2014; 114(6): 1052-1068. PMID: 24625729. Salfati EL et al. Re-analysis of whole-exome sequencing data uncovers novel diagnostic variants and improves molecular diagnostic yields for sudden death and idiopathic diseases. Genome Med. 2019 Dec 17;11(1):83. PMID: 31847883.

Molecular Diagnostic Laboratory for Inherited Cardiovascular Disease, Montreal Heart Institute
Classification: Likely benign. Last evaluated: 2025-04-09. Review status: criteria provided, single submitter. Criteria: ACMG Guidelines, 2015. Collection method: clinical testing. Allele origin: germline. Affected: no.

Blueprint Genetics
Classification: Likely benign. Last evaluated: 2024-11-14. Review status: criteria provided, single submitter. Criteria: ACMG Guidelines, 2015. Collection method: clinical testing. Allele origin: germline.

Women's Health and Genetics/Laboratory Corporation of America, LabCorp
Classification: Likely benign. Last evaluated: 2023-03-21. Review status: criteria provided, single submitter. Criteria: LabCorp Variant Classification Summary - May 2015. Collection method: clinical testing. Allele origin: germline.

GeneDx
Classification: Likely benign. Last evaluated: 2021-05-19. Review status: criteria provided, single submitter. Criteria: GeneDx Variant Classification Process June 2021. Collection method: clinical testing. Allele origin: germline. Affected: yes.
Comment: This variant is associated with the following publications: (PMID: 25163546, 27930701, 28771489, 23861362)

Practice for Gait Abnormalities, David Pomarino, Competency Network Toe Walking C/o Practice Pomarino
Classification: Uncertain significance for Tip-toe gait. Last evaluated: 2020-11-27. Review status: criteria provided, single submitter. Criteria: ACMG Guidelines, 2015. Collection method: clinical testing. Allele origin: unknown. Affected: yes.
Comment: Myopathy refers to diseases that affect skeletal Muscles. These diseases attack muscle fibers, making muscles weak. Inherited myopathies are often caused by inheriting an abnormal gene mutation from a parent that causes the disease. Symptoms of congenital myopathies usually start at birth or in early childhood, but may not appear until the teen years or even later in adulthood. Congenital myopathies are somewhat unique compared with other inherited myopathies, as weakness typically affects all muscles and is often not progressive. Symptoms are: Muscle weakness, most commonly of upper arms and shoulders and thighs, muscle cramps, stiffness and spasms, fatigue with exertion and lack of energy. Our patients all walk on tiptoe, so they show similar symptoms. When we genetically test them with our toe walking panel, we find that around 90 per cent of them have a genetic variant that explains their toe walking. These can be assigned, for example, to the area of myopathies (such as variants of the COL6A3 gene), the area of hereditary neuropathies (such as variants of the KMT2C gene) or the area of metabolic diseases (such as variants of the PYGM gene). In a smaller group of patients with almost identical symptoms, no abnormality is found in the genes of our panel, but spastic paraplegia can be detected. In another small group of our toe walkers, no abnormalities can be detected in the genes analysed in our toe walking panel, nor do they suffer from spastic paraplegia, as is also the case with healthy children. In contrast to these, however, they show a tiptoe gait. These patients suffer from infantile cerebral palsy, in which toe walking can also be observed.

Baylor Genetics
Classification: Uncertain significance for Early-onset myopathy with fatal cardiomyopathy. Last evaluated: 2020-07-01. Review status: criteria provided, single submitter. Criteria: ACMG Guidelines, 2015. Collection method: clinical testing. Allele origin: unknown. Affected: yes.
Comment: This variant was determined to be of uncertain significance according to ACMG Guidelines, 2015 [PMID:25741868].

Illumina Laboratory Services, Illumina
Classification: Uncertain significance for Early-onset myopathy with fatal cardiomyopathy. Last evaluated: 2018-01-13. Review status: criteria provided, single submitter. Criteria: ICSL Variant Classification Criteria 13 December 2019. Collection method: clinical testing. Allele origin: germline.

Illumina Laboratory Services, Illumina
Classification: Benign for Tibial muscular dystrophy. Last evaluated: 2018-01-13. Review status: criteria provided, single submitter. Criteria: ICSL Variant Classification Criteria 13 December 2019. Collection method: clinical testing. Allele origin: germline.
Comment: This variant was observed in the ICSL laboratory as part of a predisposition screen in an ostensibly healthy population. It had not been previously curated by ICSL or reported in the Human Gene Mutation Database (HGMD: prior to June 1st, 2018), and was therefore a candidate for classification through an automated scoring system. Utilizing variant allele frequency, disease prevalence and penetrance estimates, and inheritance mode, an automated score was calculated to assess if this variant is too frequent to cause the disease. Based on the score and internal cut-off values, a variant classified as benign is not then subjected to further curation. The score for this variant resulted in a classification of benign for this disease.